The following is an entry in ClinVar:

ClinVar aggregate classification (germline): Benign. Review status: criteria provided, multiple submitters, no conflicts (2 of 4 stars). 3 submissions from 3 submitters: Benign (2). 1 of the submissions does not count toward it. Last evaluated 2026-01-25.

Conditions:
FBN3-related disorder. Also called: FBN3-related condition.

Allele frequency attached by ClinVar (database versions not stated): gnomAD exomes 0.00364 and 0.00672; ExAC 0.01640; TOPMed 0.03037; ESP Exome Variant Server 0.03270; 1000 Genomes Project 0.03375; gnomAD 0.03535 and 0.03625; 1000 Genomes Project 30x 0.03654.
gnomAD v4.1: 8,004 of 1,163,876 alleles (0.69%); highest among the groups gnomAD compares: African/African-American, 12%; 314 homozygotes.

Submissions (3):

Labcorp Genetics (formerly Invitae), Labcorp
Classification: Benign. Last evaluated: 2026-01-25. Review status: criteria provided, single submitter. Criteria: Invitae Variant Classification Sherloc (09022015). Collection method: clinical testing. Allele origin: germline.

Breakthrough Genomics
Classification: Benign. Review status: criteria provided, single submitter. Criteria: ACMG Guidelines, 2015. Collection method: not provided. Allele origin: germline. Inheritance: Unknown mechanism. Affected: yes.

PreventionGenetics, part of Exact Sciences
Classification: Benign for FBN3-related condition. Last evaluated: 2019-02-19. Review status: no assertion criteria provided. Collection method: clinical testing. Allele origin: germline. Not counted in ClinVar's aggregate classification.
Comment: This variant is classified as benign based on ACMG/AMP sequence variant interpretation guidelines (Richards et al. 2015 PMID: 25741868, with internal and published modifications).

NM_032447.5(FBN3):c.1575C>T (p.Asp525=)

Gene: FBN3 (fibrillin 3; minus strand). Cytogenetic location: 19p13.2.
Variant type: single nucleotide variant.
Coding change: c.1575C>T on transcript NM_032447.5 (MANE Select); coding-DNA position 1575, C replaced by T.
Protein change: p.Asp525=; no amino-acid change (aspartic acid 525 retained).
Molecular consequence: synonymous variant.
Genome position (GRCh38, 1-based): chr19:8,135,977, G>A on the plus strand (C>T on the coding strand, the complement: FBN3 is on the minus strand). VCF-style: chr19-8135977-G-A. GRCh37 (hg19) VCF-style: chr19-8200861-G-A.
Other names: c.1575C>T (NM_001321431.1); c.1575C>T, p.Asp525= (NM_001321431.2).
Identifiers: ClinVar variation 1606663 (VCV001606663.11), dbSNP rs80125054, ClinGen allele CA9153273.
Genomic context (GRCh38, chr19:8,135,977, plus strand): 5'-GTGGGGCCCGGAAGCCCCTGCCCACCCGCCCACCCCCAACTCACCCACACAGTTCTTGCC[G>A]TCAGGGCTGAGCTCGAAGCCTGCATTGCAGACACACTGGAAGCTGCCCTCTGTGTTGACA-3'
Protein context (NP_115823.3, residues 515-535): VCNAGFELSP[Asp525=]GKNCVDHNEC